The following is an entry in ClinVar:

ClinVar aggregate classification (germline): Conflicting classifications of pathogenicity. Review status: criteria provided, conflicting classifications (1 of 4 stars). 3 submissions from 3 submitters: Likely pathogenic (2); Uncertain significance (1). Last evaluated 2026-03-18.

Conditions:
Peroxisome biogenesis disorder. Identifiers: Orphanet 79189, MedGen C1832200, MONDO:0019234. Disease mechanism: loss of function.
Rhizomelic chondrodysplasia punctata (RCDP). Identifiers: Orphanet 177, MedGen C0282529, MONDO:0015776. Disease mechanism: loss of function.
Peroxisome biogenesis disorder 9B. Also called: Refsum disease, adult, 2; PEX7-Related Refsum Disease; PEROXISOME BIOGENESIS DISORDER, PEX7-RELATED, ATYPICAL. Identifiers: Orphanet 773, MedGen C2749346, MONDO:0013945, OMIM 614879.

Submissions (3):

Myriad Genetics, Inc.
Classification: Uncertain significance for Peroxisome biogenesis disorder. Last evaluated: 2026-03-18. Review status: criteria provided, single submitter. Criteria: Myriad Autosomal Dominant, Autosomal Recessive and X-Linked Classification Criteria (2023). Collection method: clinical testing. Allele origin: unknown.
Comment: NM_000288.3(PEX7):c.509_511delGTT(C170del) is an in-frame deletion classified as a variant of uncertain significance in the context of PEX7-related disorders. C170del has been observed in a case with relevant disease (PMID: 12325024). Relevant functional assessments of this variant are available in the literature (PMID: 12325024). C170del has not been observed in referenced population frequency databases. In summary, there is insufficient evidence to classify NM_000288.3(PEX7):c.509_511delGTT(C170del) as pathogenic or benign. Please note: this variant was assessed in the context of healthy population screening.

Natera, Inc.
Classification: Likely pathogenic for Rhizomelic Chondrodysplasia Punctata. Last evaluated: 2025-01-21. Review status: criteria provided, single submitter. Criteria: Natera Variant Classification Schema (03/2026). Collection method: clinical testing. Allele origin: germline.
Comment: The c.509_511delGTT variant in PEX7 is an in-frame deletion predicted to remove cysteine at amino acid 170 while preserving the reading frame. This variant is rare in the general population with a frequency below the threshold expected for the associated phenotype(s). This variant has been observed in one or more individuals affected with the associated recessive disease, as either homozygous or compound heterozygous with a second variant (PMID: 12325024). This variant results in a change to the protein length while preserving reading frame, which may disrupt normal protein structure or function. Computational prediction algorithms indicate this variant is likely to affect gene or protein function. Given the available evidence, this variant is classified as Likely Pathogenic.

Baylor Genetics
Classification: Likely pathogenic for Peroxisome biogenesis disorder 9B. Last evaluated: 2021-11-30. Review status: criteria provided, single submitter. Criteria: ACMG Guidelines, 2015. Collection method: clinical testing. Allele origin: unknown.

Literature cited by the submitters: PubMed 12325024 (cited by Myriad Genetics, Inc. and Natera, Inc.).

NM_000288.4(PEX7):c.506GTT[1] (p.Cys170del)

Gene: PEX7 (peroxisomal biogenesis factor 7; plus strand). Cytogenetic location: 6q23.3.
Variant type: Microsatellite.
Coding change: c.506GTT[1] on transcript NM_000288.4 (MANE Select); one copy of the 3-base unit GTT starting at c.506; the reference has two copies in a row; one copy, 3 bases deleted; also written c.509_511del.
Protein change: p.Cys170del; deletes cysteine 170.
Genome position (GRCh38, 1-based): chr6:136,846,164-136,846,166, GTT deleted; deleting any 3 consecutive bases within chr6:136,846,161-136,846,166 gives the same sequence; the position shown is the placement nearest the transcript's 3' end. VCF-style (leftmost placement, unchanged base first): chr6-136846160-GGTT-G. GRCh37 (hg19) VCF-style: chr6-137167298-GGTT-G.
Other names: c.509_511del (NM_000288.4); c.509_511delGTT (NM_000288.3); c.392GTT[1], p.Cys132del (NM_001410945.1); short protein forms C132del, C170del.
Identifiers: ClinVar variation 2677734 (VCV002677734.3), dbSNP rs62653608, ClinGen allele CA148643380.